The following is an entry in ClinVar:

NM_001001957.2(OR2W3):c.555C>G (p.Ile185Met)

Gene: OR2W3 (olfactory receptor family 2 subfamily W member 3; plus strand). Cytogenetic location: 1q44.
Variant type: single nucleotide variant.
Coding change: c.555C>G on transcript NM_001001957.2 (MANE Select); coding-DNA position 555, C replaced by G.
Protein change: p.Ile185Met; replaces isoleucine 185 with methionine.
Molecular consequence: missense variant.
Genome position (GRCh38, 1-based): chr1:247,896,141, C>G. VCF-style: chr1-247896141-C-G. GRCh37 (hg19) VCF-style: chr1-248059443-C-G.
Other names: short protein forms I185M.
Identifiers: ClinVar variation 1488664 (VCV001488664.7), dbSNP rs772324117, ClinGen allele CA1498631.

ClinVar aggregate classification (germline): Uncertain significance. Review status: criteria provided, multiple submitters, no conflicts (2 of 4 stars). 2 submissions from 2 submitters: Uncertain significance (2). Last evaluated 2025-02-27.

Allele frequency attached by ClinVar (database versions not stated): ExAC 0.00001; gnomAD exomes 0.00001; gnomAD 0.00004; TOPMed 0.00006.
gnomAD v4.1: 10 of 1,614,078 alleles (0.00062%); highest among the groups gnomAD compares: African/African-American, 0.0093%; no homozygotes.

Submissions (2):

Labcorp Genetics (formerly Invitae), Labcorp
Classification: Uncertain significance. Last evaluated: 2025-02-27. Review status: criteria provided, single submitter. Criteria: Invitae Variant Classification Sherloc (09022015). Collection method: clinical testing. Allele origin: germline.
Comment: This sequence change replaces isoleucine, which is neutral and non-polar, with methionine, which is neutral and non-polar, at codon 185 of the OR2W3 protein (p.Ile185Met). This variant is present in population databases (rs772324117, gnomAD 0.01%). This variant has not been reported in the literature in individuals affected with OR2W3-related conditions. ClinVar contains an entry for this variant (Variation ID: 1488664). An algorithm developed to predict the effect of missense changes on protein structure and function (PolyPhen-2) suggests that this variant is likely to be disruptive. In summary, the available evidence is currently insufficient to determine the role of this variant in disease. Therefore, it has been classified as a Variant of Uncertain Significance.

Ambry Genetics
Classification: Uncertain significance. Last evaluated: 2023-03-22. Review status: criteria provided, single submitter. Criteria: Ambry Variant Classification Scheme 2023. Collection method: clinical testing. Allele origin: germline.